The following is an entry in ClinVar:

NM_006424.3(SLC34A2):c.1884G>C (p.Ala628=)

Gene: SLC34A2 (solute carrier family 34 member 2; plus strand). Cytogenetic location: 4p15.2.
Variant type: single nucleotide variant.
Coding change: c.1884G>C on transcript NM_006424.3 (MANE Select); coding-DNA position 1884, G replaced by C.
Protein change: p.Ala628=; no amino-acid change (alanine 628 retained).
Molecular consequence: synonymous variant.
Genome position (GRCh38, 1-based): chr4:25,676,560, G>C. VCF-style: chr4-25676560-G-C. GRCh37 (hg19) VCF-style: chr4-25678182-G-C.
Other names: c.1881G>C, p.Ala627= (NM_001177998.2, NM_001177999.2); c.1884G>C (NM_006424.2).
Identifiers: ClinVar variation 2884339 (VCV002884339.5), dbSNP rs141191689, ClinGen allele CA2879970.
Genomic context (GRCh38, chr4:25,676,560, plus strand): 5'-CAAGTTCACCGGCTGCTTCCAGATGCGCTGCTGCTGCTGCTGCCGCGTGTGCTGCCGCGC[G>C]TGCTGCTTGCTGTGTGACTGCCCCAAGTGCTGCCGCTGCAGCAAGTGCTGCGAGGACTTG-3'
Protein context (NP_006415.3, residues 618-638): CCCCCRVCCR[Ala628=]CCLLCDCPKC

ClinVar aggregate classification (germline): Likely benign. Review status: criteria provided, single submitter (1 of 4 stars). 2 submissions from 2 submitters: Likely benign (1). 1 of the submissions does not count toward it. Last evaluated 2024-01-29.

Conditions:
SLC34A2-related disorder. Also called: SLC34A2-related condition.

Allele frequency attached by ClinVar (database versions not stated): 1000 Genomes Project 0.00040; ESP Exome Variant Server 0.00046; 1000 Genomes Project 30x 0.00047.
gnomAD v4.1: 75 of 1,612,610 alleles (0.0047%); highest among the groups gnomAD compares: African/African-American, 0.093%; no homozygotes.

Submissions (2):

Labcorp Genetics (formerly Invitae), Labcorp
Classification: Likely benign. Last evaluated: 2024-01-29. Review status: criteria provided, single submitter. Criteria: Invitae Variant Classification Sherloc (09022015). Collection method: clinical testing. Allele origin: germline.

PreventionGenetics, part of Exact Sciences
Classification: Likely benign for SLC34A2-related condition. Last evaluated: 2021-11-14. Review status: no assertion criteria provided. Collection method: clinical testing. Allele origin: germline. Not counted in ClinVar's aggregate classification.
Comment: This variant is classified as likely benign based on ACMG/AMP sequence variant interpretation guidelines (Richards et al. 2015 PMID: 25741868, with internal and published modifications).